The following is an entry in ClinVar:

NM_000268.4(NF2):c.1784T>C (p.Leu595Pro)

Gene: NF2 (NF2, moesin-ezrin-radixin like (MERLIN) tumor suppressor; plus strand). Cytogenetic location: 22q12.2.
Variant type: single nucleotide variant.
Coding change: c.1784T>C on transcript NM_000268.4 (MANE Select); coding-DNA position 1784, T replaced by C.
Protein change: p.Leu595Pro; replaces leucine 595 with proline.
Molecular consequence: missense variant. On other transcripts: 3 prime UTR variant (5), non-coding transcript variant (1).
Genome position (GRCh38, 1-based): chr22:29,694,798, T>C. VCF-style: chr22-29694798-T-C. GRCh37 (hg19) VCF-style: chr22-30090787-T-C.
Other names: c.*56T>C (NM_016418.5, NM_181828.3, NM_181829.3 and 1 more transcripts); c.*71T>C (NM_181832.3); c.494T>C, p.Leu165Pro (NM_181833.3); short protein forms L165P, L595P.
Identifiers: ClinVar variation 1361763 (VCV001361763.8), dbSNP rs2147172014, ClinGen allele CA411152383.

ClinVar aggregate classification (germline): Uncertain significance (1 of 4 stars; one submission).

Conditions:
Neurofibromatosis, type 2 (SWNV). Also called: SCHWANNOMATOSIS, VESTIBULAR; NF2-Related Schwannomatosis; BILATERAL ACOUSTIC NEUROFIBROMATOSIS. Identifiers: Orphanet 637, MedGen C0027832, MONDO:0007039, OMIM 101000. Disease mechanism: loss of function.

Submission:

Labcorp Genetics (formerly Invitae), Labcorp
Classification: Uncertain significance for Neurofibromatosis, type 2. Last evaluated: 2020-12-31. Review status: criteria provided, single submitter. Criteria: Invitae Variant Classification Sherloc (09022015). Collection method: clinical testing. Allele origin: germline.
Comment: This sequence change replaces leucine with proline at codon 595 of the NF2 protein (p.Leu595Pro). The leucine residue is moderately conserved and there is a moderate physicochemical difference between leucine and proline. This variant is not present in population databases (ExAC no frequency). This variant has not been reported in the literature in individuals with NF2-related conditions. Algorithms developed to predict the effect of missense changes on protein structure and function are either unavailable or do not agree on the potential impact of this missense change (SIFT: "Deleterious"; PolyPhen-2: "Probably Damaging"; Align-GVGD: "Class C0"). In summary, the available evidence is currently insufficient to determine the role of this variant in disease. Therefore, it has been classified as a Variant of Uncertain Significance.